The following is an entry in ClinVar:

NM_205850.3(SLC24A5):c.115G>T (p.Ala39Ser)

Gene: SLC24A5 (solute carrier family 24 member 5; plus strand). Cytogenetic location: 15q21.1.
Variant type: single nucleotide variant.
Coding change: c.115G>T on transcript NM_205850.3 (MANE Select); coding-DNA position 115, G replaced by T.
Protein change: p.Ala39Ser; replaces alanine 39 with serine.
Molecular consequence: missense variant.
Genome position (GRCh38, 1-based): chr15:48,121,159, G>T. VCF-style: chr15-48121159-G-T. GRCh37 (hg19) VCF-style: chr15-48413356-G-T.
Other names: short protein forms A39S.
Identifiers: ClinVar variation 1974003 (VCV001974003.5), dbSNP rs1235896523, ClinGen allele CA392446974.

ClinVar aggregate classification (germline): Uncertain significance (1 of 4 stars; one submission).

Allele frequency attached by ClinVar (database versions not stated): gnomAD exomes below 0.00001.
gnomAD v4.1: 4 of 1,612,176 alleles (0.00025%); highest among the groups gnomAD compares: Non-Finnish European, 0.00025%; no homozygotes.

Submission:

Labcorp Genetics (formerly Invitae), Labcorp
Classification: Uncertain significance. Last evaluated: 2022-03-09. Review status: criteria provided, single submitter. Criteria: Invitae Variant Classification Sherloc (09022015). Collection method: clinical testing. Allele origin: germline.
Comment: This sequence change replaces alanine, which is neutral and non-polar, with serine, which is neutral and polar, at codon 39 of the SLC24A5 protein (p.Ala39Ser). In summary, the available evidence is currently insufficient to determine the role of this variant in disease. Therefore, it has been classified as a Variant of Uncertain Significance. Algorithms developed to predict the effect of missense changes on protein structure and function (SIFT, PolyPhen-2, Align-GVGD) all suggest that this variant is likely to be tolerated. This variant has not been reported in the literature in individuals affected with SLC24A5-related conditions. This variant is not present in population databases (gnomAD no frequency).